The following is an entry in ClinVar:

NM_001048174.2(MUTYH):c.502G>C (p.Glu168Gln)

Gene: MUTYH (mutY DNA glycosylase; minus strand). Cytogenetic location: 1p34.1.
Variant type: single nucleotide variant.
Coding change: c.502G>C on transcript NM_001048174.2 (MANE Select); coding-DNA position 502, G replaced by C.
Protein change: p.Glu168Gln; replaces glutamic acid 168 with glutamine.
Molecular consequence: missense variant. On other transcripts: non-coding transcript variant (2).
Genome position (GRCh38, 1-based): chr1:45,332,678, C>G on the plus strand (G>C on the coding strand, the complement: MUTYH is on the minus strand). VCF-style: chr1-45332678-C-G. GRCh37 (hg19) VCF-style: chr1-45798350-C-G.
Other names: c.502G>C, p.Glu168Gln (NM_001048171.2, NM_001048173.2, NM_001293195.2); c.505G>C, p.Glu169Gln (NM_001048172.2); c.586G>C, p.Glu196Gln (NM_001128425.2); c.547G>C, p.Glu183Gln (NM_001293190.2); c.535G>C, p.Glu179Gln (NM_001293191.2); c.226G>C, p.Glu76Gln (NM_001293192.2, NM_001293196.2); c.157G>C, p.Glu53Gln (NM_001350650.2, NM_001350651.2); c.577G>C, p.Glu193Gln (NM_012222.3); and 1 more; short protein forms E168Q, E169Q, E179Q, E183Q, E193Q, E196Q, E53Q, E76Q.
Identifiers: ClinVar variation 1006288 (VCV001006288.9), dbSNP rs745921592, ClinGen allele CA340135450.

ClinVar aggregate classification (germline): Uncertain significance. Review status: criteria provided, multiple submitters, no conflicts (2 of 4 stars). 2 submissions from 2 submitters: Uncertain significance (2). Last evaluated 2025-08-27.

Conditions:
Hereditary cancer-predisposing syndrome. Also called: Neoplastic Syndromes, Hereditary; Hereditary Cancer Syndrome; Hereditary neoplastic syndrome; Tumor predisposition. Identifiers: Orphanet 140162, MedGen C0027672, MeSH D009386, MONDO:0015356.
Familial adenomatous polyposis 2. Also called: COLORECTAL ADENOMATOUS POLYPOSIS, AUTOSOMAL RECESSIVE; ADENOMAS, MULTIPLE COLORECTAL, AUTOSOMAL RECESSIVE; Adenomas, multiple colorectal; FAP type 2; MUTYH Polyposis; MUTYH-associated polyposis. Identifiers: Orphanet 220460, Orphanet 247798, MedGen C3272841, MONDO:0012041, OMIM 608456.

Submissions (2):

Ambry Genetics
Classification: Uncertain significance for Hereditary cancer-predisposing syndrome. Last evaluated: 2025-08-27. Review status: criteria provided, single submitter. Criteria: Ambry Variant Classification Scheme 2023. Collection method: clinical testing. Allele origin: germline.
Comment: The p.E196Q variant (also known as c.586G>C), located in coding exon 8 of the MUTYH gene, results from a G to C substitution at nucleotide position 586. The glutamic acid at codon 196 is replaced by glutamine, an amino acid with highly similar properties. This amino acid position is conserved. In addition, this alteration is predicted to be tolerated by in silico analysis. Based on the available evidence, the clinical significance of this variant remains unclear.

Labcorp Genetics (formerly Invitae), Labcorp
Classification: Uncertain significance for Familial adenomatous polyposis 2. Last evaluated: 2020-09-09. Review status: criteria provided, single submitter. Criteria: Invitae Variant Classification Sherloc (09022015). Collection method: clinical testing. Allele origin: germline.
Comment: In summary, the available evidence is currently insufficient to determine the role of this variant in disease. Therefore, it has been classified as a Variant of Uncertain Significance. Algorithms developed to predict the effect of missense changes on protein structure and function (SIFT, PolyPhen-2, Align-GVGD) all suggest that this variant is likely to be tolerated, but these predictions have not been confirmed by published functional studies and their clinical significance is uncertain. This variant has not been reported in the literature in individuals with MUTYH-related conditions. This variant is not present in population databases (ExAC no frequency). This sequence change replaces glutamic acid with glutamine at codon 196 of the MUTYH protein (p.Glu196Gln). The glutamic acid residue is highly conserved and there is a small physicochemical difference between glutamic acid and glutamine.